The following is an entry in ClinVar:

ClinVar aggregate classification (germline): Uncertain significance (1 of 4 stars; one submission).

Conditions:
Hereditary pancreatitis (PCTT). Also called: PRSS1-Related Hereditary Pancreatitis; Hereditary chronic pancreatitis. Identifiers: Orphanet 676, MedGen C0238339, MONDO:0008185, OMIM 167800.

Submission:

Ambry Genetics
Classification: Uncertain significance for Hereditary pancreatitis. Last evaluated: 2022-02-13. Review status: criteria provided, single submitter. Criteria: Ambry Variant Classification Scheme 2023. Collection method: clinical testing. Allele origin: germline.
Comment: The p.A31V variant (also known as c.92C>T), located in coding exon 2 of the CPA1 gene, results from a C to T substitution at nucleotide position 92. The alanine at codon 31 is replaced by valine, an amino acid with similar properties. This amino acid position is conserved. In addition, this alteration is predicted to be tolerated by in silico analysis. Since supporting evidence is limited at this time, the clinical significance of this alteration remains unclear.

NM_001868.4(CPA1):c.92C>T (p.Ala31Val)

Gene: CPA1 (carboxypeptidase A1; plus strand). Cytogenetic location: 7q32.2.
Variant type: single nucleotide variant.
Coding change: c.92C>T on transcript NM_001868.4 (MANE Select); coding-DNA position 92, C replaced by T.
Protein change: p.Ala31Val; replaces alanine 31 with valine.
Molecular consequence: missense variant.
Genome position (GRCh38, 1-based): chr7:130,381,124, C>T. VCF-style: chr7-130381124-C-T. GRCh37 (hg19) VCF-style: chr7-130020965-C-T.
Other names: short protein forms A31V.
Identifiers: ClinVar variation 1766484 (VCV001766484.2), dbSNP rs1796397483, ClinGen allele CA369279214.
Genomic context (GRCh38, chr7:130,381,124, plus strand): 5'-TTGGGTGCTCACTCCCCACTCCCACTCTGCCCAGGCATCAGGTGCTCCGAATCTCTGTAG[C>T]CGATGAGGCCCAGGTACAGAAGGTGAAGGAGCTGGAGGACCTGGAGCACCTGCAGGTCAG-3'
Protein context (NP_001859.1, residues 21-41): VGHQVLRISV[Ala31Val]DEAQVQKVKE